The following is an entry in ClinVar:

ClinVar aggregate classification (germline): Likely benign (0 of 4 stars; one submission).

Conditions:
PTPRJ-related disorder. Also called: PTPRJ-related condition.

Allele frequency attached by ClinVar (database versions not stated): TOPMed below 0.00001; gnomAD exomes 0.00001; gnomAD 0.00003; ExAC 0.00004.
gnomAD v4.1: 25 of 1,614,144 alleles (0.0015%); highest among the groups gnomAD compares: East Asian, 0.049%; no homozygotes.

Submission:

PreventionGenetics, part of Exact Sciences
Classification: Likely benign for PTPRJ-related condition. Last evaluated: 2019-03-20. Review status: no assertion criteria provided. Collection method: clinical testing. Allele origin: germline.
Comment: This variant is classified as likely benign based on ACMG/AMP sequence variant interpretation guidelines (Richards et al. 2015 PMID: 25741868, with internal and published modifications).

NM_002843.4(PTPRJ):c.2505C>G (p.Val835=)

Gene: PTPRJ (protein tyrosine phosphatase receptor type J; plus strand). Cytogenetic location: 11p11.2.
Variant type: single nucleotide variant.
Coding change: c.2505C>G on transcript NM_002843.4 (MANE Select); coding-DNA position 2505, C replaced by G.
Protein change: p.Val835=; no amino-acid change (valine 835 retained).
Molecular consequence: synonymous variant.
Genome position (GRCh38, 1-based): chr11:48,142,980, C>G. VCF-style: chr11-48142980-C-G. GRCh37 (hg19) VCF-style: chr11-48164532-C-G.
Identifiers: ClinVar variation 3058653 (VCV003058653.2), dbSNP rs748064728, ClinGen allele CA5982451.